The following is an entry in ClinVar:

ClinVar aggregate classification (germline): Uncertain significance (1 of 4 stars; one submission).

Conditions:
Hypertrophic cardiomyopathy. Also called: HYPERTROPHIC MYOCARDIOPATHY. Identifiers: Orphanet 217569, MedGen C0007194, MeSH D002312, MONDO:0005045, HP:0001639.

Allele frequency attached by ClinVar (database versions not stated): gnomAD exomes below 0.00001.

Submission:

Labcorp Genetics (formerly Invitae), Labcorp
Classification: Uncertain significance for Hypertrophic cardiomyopathy. Last evaluated: 2024-06-26. Review status: criteria provided, single submitter. Criteria: Invitae Variant Classification Sherloc (09022015). Collection method: clinical testing. Allele origin: germline.
Comment: This sequence change creates a premature translational stop signal (p.Trp310Valfs*3) in the MYOM1 gene. It is expected to result in an absent or disrupted protein product. However, the current clinical and genetic evidence is not sufficient to establish whether loss-of-function variants in MYOM1 cause disease. This variant is present in population databases (no rsID available, gnomAD no frequency). This variant has not been reported in the literature in individuals affected with MYOM1-related conditions. Experimental studies and prediction algorithms are not available or were not evaluated, and the functional significance of this variant is currently unknown. In summary, the available evidence is currently insufficient to determine the role of this variant in disease. Therefore, it has been classified as a Variant of Uncertain Significance.

NM_003803.4(MYOM1):c.926dup (p.Trp310fs)

Gene: MYOM1 (myomesin 1; minus strand). Cytogenetic location: 18p11.31.
Variant type: Duplication.
Coding change: c.926dup on transcript NM_003803.4 (MANE Select); coding-DNA position 926, one base duplicated (C; older notation c.926dupC).
Protein change: p.Trp310fs; shifts the reading frame from tryptophan 310.
Molecular consequence: frameshift variant.
Genome position (GRCh38, 1-based): chr18:3,187,483, G duplicated on the plus strand (C on the coding strand, the reverse complement: MYOM1 is on the minus strand). VCF-style (leftmost placement, unchanged base first): chr18-3187482-C-CG. GRCh37 (hg19) VCF-style: chr18-3187480-C-CG.
Other names: c.926dup, p.Trp310fs (NM_019856.2); short protein forms W310fs.
Identifiers: ClinVar variation 2814825 (VCV002814825.3), dbSNP rs1567957324, ClinGen allele CA628059447.